The following is an entry in ClinVar:

ClinVar aggregate classification (germline): Uncertain significance (1 of 4 stars; one submission).

Conditions:
Atrioventricular septal defect 4 (AVSD4). Identifiers: MedGen C3280781, MONDO:0013747, OMIM 614430.

gnomAD v4.1: 2 of 1,614,122 alleles (0.00012%); highest among the groups gnomAD compares: Non-Finnish European, 0.00017%; no homozygotes.

Submission:

Labcorp Genetics (formerly Invitae), Labcorp
Classification: Uncertain significance for Atrioventricular septal defect 4. Last evaluated: 2023-07-14. Review status: criteria provided, single submitter. Criteria: Invitae Variant Classification Sherloc (09022015). Collection method: clinical testing. Allele origin: germline.
Comment: In summary, the available evidence is currently insufficient to determine the role of this variant in disease. Therefore, it has been classified as a Variant of Uncertain Significance. Advanced modeling of protein sequence and biophysical properties (such as structural, functional, and spatial information, amino acid conservation, physicochemical variation, residue mobility, and thermodynamic stability) performed at Invitae indicates that this missense variant is not expected to disrupt GATA4 protein function. This variant has not been reported in the literature in individuals affected with GATA4-related conditions. This variant is not present in population databases (gnomAD no frequency). This sequence change replaces valine, which is neutral and non-polar, with phenylalanine, which is neutral and non-polar, at codon 399 of the GATA4 protein (p.Val399Phe).

NM_001308093.3(GATA4):c.1198G>T (p.Val400Phe)

Gene: GATA4 (GATA binding protein 4). Cytogenetic location: 8p23.1.
Variant type: single nucleotide variant.
Coding change: c.1198G>T on transcript NM_001308093.3 (MANE Select); coding-DNA position 1198, G replaced by T.
Protein change: p.Val400Phe; replaces valine 400 with phenylalanine.
Molecular consequence: missense variant.
Genome position (GRCh38, 1-based): chr8:11,758,341, G>T. VCF-style: chr8-11758341-G-T. GRCh37 (hg19) VCF-style: chr8-11615850-G-T.
Other names: c.577G>T, p.Val193Phe (NM_001308094.2, NM_001374273.1); c.451G>T, p.Val151Phe (NM_001374274.1); c.1195G>T, p.Val399Phe (NM_002052.5); short protein forms V151F, V193F, V399F, V400F.
Identifiers: ClinVar variation 2842166 (VCV002842166.3), dbSNP rs955705458, ClinGen allele CA370315624.
Genomic context (GRCh38, chr8:11,758,341, plus strand): 5'-TCTGCTTTTCAGACGTTCTCAGTCAGTGCGATGTCTGGCCATGGGCCCTCCATCCACCCT[G>T]TCCTCTCGGCCCTGAAGCTCTCCCCACAAGGCTATGCGTCTCCCGTCAGCCAGTCTCCAC-3'
Protein context (NP_001295022.1, residues 390-410): MSGHGPSIHP[Val400Phe]LSALKLSPQG